The following is an entry in ClinVar:

ClinVar aggregate classification (germline): Uncertain significance (0 of 4 stars; one submission).

Conditions:
NCOA1-related disorder. Also called: NCOA1-related condition.

Allele frequency attached by ClinVar (database versions not stated): ExAC 0.00002; gnomAD 0.00003; TOPMed 0.00003.

Submission:

PreventionGenetics, part of Exact Sciences
Classification: Uncertain significance for NCOA1-related condition. Last evaluated: 2024-01-22. Review status: no assertion criteria provided. Collection method: clinical testing. Allele origin: germline.
Comment: The NCOA1 c.4000A>G variant is predicted to result in the amino acid substitution p.Met1334Val. To our knowledge, this variant has not been reported in the literature. This variant is reported in 0.0065% of alleles in individuals of South Asian descent in gnomAD. At this time, the clinical significance of this variant is uncertain due to the absence of conclusive functional and genetic evidence.

NM_003743.5(NCOA1):c.4000A>G (p.Met1334Val)

Gene: NCOA1 (nuclear receptor coactivator 1; plus strand). Cytogenetic location: 2p23.3.
Variant type: single nucleotide variant.
Coding change: c.4000A>G on transcript NM_003743.5 (MANE Select); coding-DNA position 4000, A replaced by G.
Protein change: p.Met1334Val; replaces methionine 1334 with valine.
Molecular consequence: missense variant.
Genome position (GRCh38, 1-based): chr2:24,758,091, A>G. VCF-style: chr2-24758091-A-G. GRCh37 (hg19) VCF-style: chr2-24980960-A-G.
Other names: c.4000A>G, p.Met1334Val (NM_001362950.1, NM_001362952.1, NM_001362954.1 and 3 more transcripts); short protein forms M1334V.
Identifiers: ClinVar variation 3031819 (VCV003031819.2), dbSNP rs781066437, ClinGen allele CA1552770.